The following is an entry in ClinVar:

ClinVar aggregate classification (germline): Uncertain significance. Review status: criteria provided, multiple submitters, no conflicts (2 of 4 stars). 3 submissions from 3 submitters: Uncertain significance (3). Last evaluated 2023-07-23.

Conditions:
Hereditary cancer-predisposing syndrome. Also called: Neoplastic Syndromes, Hereditary; Hereditary Cancer Syndrome; Tumor predisposition; Hereditary neoplastic syndrome. Identifiers: Orphanet 140162, MedGen C0027672, MeSH D009386, MONDO:0015356.
Ataxia-telangiectasia syndrome (AT). Also called: LOUIS-BAR SYNDROME; Cerebello-oculocutaneous telangiectasia; Immunodeficiency with ataxia telangiectasia; Ataxia-telangiectasia, complementation group D; AT, COMPLEMENTATION GROUP C; Ataxia-telangiectasia, complementation group E. Identifiers: Orphanet 100, MedGen C0004135, MONDO:0008840, OMIM 208900.

Allele frequency attached by ClinVar (database versions not stated): gnomAD 0.00001; gnomAD exomes below 0.00001.
gnomAD v4.1: 3 of 1,613,744 alleles (0.00019%); highest among the groups gnomAD compares: African/African-American, 0.0027%; no homozygotes.

Submissions (3):

GeneDx
Classification: Uncertain significance. Last evaluated: 2023-07-23. Review status: criteria provided, single submitter. Criteria: GeneDx Variant Classification Process June 2021. Collection method: clinical testing. Allele origin: germline. Affected: yes.
Comment: Not observed at significant frequency in large population cohorts (gnomAD); Has not been previously published as pathogenic or benign to our knowledge; In silico analysis is inconclusive as to whether the variant alters gene splicing. In the absence of RNA/functional studies, the actual effect of this sequence change is unknown

Labcorp Genetics (formerly Invitae), Labcorp
Classification: Uncertain significance for Ataxia-telangiectasia syndrome. Last evaluated: 2022-09-14. Review status: criteria provided, single submitter. Criteria: Invitae Variant Classification Sherloc (09022015). Collection method: clinical testing. Allele origin: germline.
Comment: This variant has not been reported in the literature in individuals affected with ATM-related conditions. ClinVar contains an entry for this variant (Variation ID: 489599). Variants that disrupt the consensus splice site are a relatively common cause of aberrant splicing (PMID: 17576681, 9536098). Algorithms developed to predict the effect of sequence changes on RNA splicing suggest that this variant may disrupt the consensus splice site. In summary, the available evidence is currently insufficient to determine the role of this variant in disease. Therefore, it has been classified as a Variant of Uncertain Significance. This variant is not present in population databases (gnomAD no frequency). This sequence change falls in intron 57 of the ATM gene. It does not directly change the encoded amino acid sequence of the ATM protein. It affects a nucleotide within the consensus splice site.

Color Diagnostics, LLC DBA Color Health
Classification: Uncertain significance for Hereditary cancer-predisposing syndrome. Last evaluated: 2019-04-11. Review status: criteria provided, single submitter. Criteria: ACMG Guidelines, 2015. Collection method: clinical testing. Allele origin: germline.

Literature cited by the submitters: PubMed 17576681 (cited by Labcorp Genetics (formerly Invitae), Labcorp); PubMed 9536098 (cited by Labcorp Genetics (formerly Invitae), Labcorp).

NM_000051.4(ATM):c.8418+6T>C

Genes: C11orf65 (chromosome 11 open reading frame 65; minus strand), ATM (ATM serine/threonine kinase; plus strand). Cytogenetic location: 11q22.3.
Variant type: single nucleotide variant.
Coding change: c.8418+6T>C on transcript NM_000051.4 (MANE Select); 6 bases into the intron after coding-DNA position 8418, T replaced by C.
Molecular consequence: intron variant.
Genome position (GRCh38, 1-based): chr11:108,343,377, T>C. VCF-style: chr11-108343377-T-C. GRCh37 (hg19) VCF-style: chr11-108214104-T-C.
Other names: c.641-34306A>G (NM_001330368.2); c.695-8085A>G (NM_001351110.2); c.8418+6T>C (NM_001351834.2).
Identifiers: ClinVar variation 489599 (VCV000489599.15), dbSNP rs1555135928, ClinGen allele CA658683704.
Genomic context (GRCh38, chr11:108,343,377, plus strand): 5'-TAAAAGATACAGGCCAAATGATTTCAGTGCCTTTCAGTGCCAAAAGAAAATGATGGTGAG[T>C]GACACCCAAAATTAAAGGTTATTGTAAGATTATTTAATGGCTTATTAAAGCTGACAGCTG-3'